The following is an entry in ClinVar:

ClinVar aggregate classification (germline): Uncertain significance (1 of 4 stars; one submission).

Conditions:
Hereditary cancer-predisposing syndrome. Also called: Neoplastic Syndromes, Hereditary; Tumor predisposition; Hereditary Cancer Syndrome; Hereditary neoplastic syndrome. Identifiers: Orphanet 140162, MedGen C0027672, MeSH D009386, MONDO:0015356.

Submission:

Color Diagnostics, LLC DBA Color Health
Classification: Uncertain significance for Hereditary cancer-predisposing syndrome. Last evaluated: 2023-12-05. Review status: criteria provided, single submitter. Criteria: ACMG Guidelines, 2015. Collection method: clinical testing. Allele origin: germline.
Comment: This missense variant replaces aspartic acid with asparagine at codon 240 of the RAD51D protein. Computational prediction suggests that this variant may not impact protein structure and function (internally defined REVEL score threshold <= 0.5, PMID: 27666373). To our knowledge, functional studies have not been reported for this variant. This variant has not been reported in individuals affected with RAD51D-related disorders in the literature. This variant has not been identified in the general population by the Genome Aggregation Database (gnomAD). The available evidence is insufficient to determine the role of this variant in disease conclusively. Therefore, this variant is classified as a Variant of Uncertain Significance.

NM_002878.4(RAD51D):c.718G>A (p.Asp240Asn)

Genes: RAD51D (RAD51 paralog D; minus strand), RAD51L3-RFFL (RAD51L3-RFFL readthrough; minus strand). Cytogenetic location: 17q12.
Variant type: single nucleotide variant.
Coding change: c.718G>A on transcript NM_002878.4 (MANE Select); coding-DNA position 718, G replaced by A.
Protein change: p.Asp240Asn; replaces aspartic acid 240 with asparagine.
Molecular consequence: missense variant. On other transcripts: non-coding transcript variant (3).
Genome position (GRCh38, 1-based): chr17:35,103,274, C>T on the plus strand (G>A on the coding strand, the complement: RAD51D is on the minus strand). VCF-style: chr17-35103274-C-T. GRCh37 (hg19) VCF-style: chr17-33430293-C-T.
Other names: c.778G>A, p.Asp260Asn (NM_001142571.2); c.382G>A, p.Asp128Asn (NM_133629.3); short protein forms D260N, D240N, D128N.
Identifiers: ClinVar variation 920700 (VCV000920700.4), dbSNP rs2091560282, ClinGen allele CA399087537.